The following is an entry in ClinVar:

NM_014384.3(ACAD8):c.758T>G (p.Val253Gly)

Gene: ACAD8 (acyl-CoA dehydrogenase family member 8; plus strand). Cytogenetic location: 11q25.
Variant type: single nucleotide variant.
Coding change: c.758T>G on transcript NM_014384.3 (MANE Select); coding-DNA position 758, T replaced by G.
Protein change: p.Val253Gly; replaces valine 253 with glycine.
Molecular consequence: missense variant.
Genome position (GRCh38, 1-based): chr11:134,261,096, T>G. VCF-style: chr11-134261096-T-G. GRCh37 (hg19) VCF-style: chr11-134130990-T-G.
Other names: short protein forms V253G.
Identifiers: ClinVar variation 3061797 (VCV003061797.4), dbSNP rs537831211, ClinGen allele CA6373075.

ClinVar aggregate classification (germline): Likely pathogenic. Review status: criteria provided, single submitter (1 of 4 stars). 2 submissions from 2 submitters: Likely pathogenic (1). 1 of the submissions does not count toward it. Last evaluated 2026-01-13.

Conditions:
Deficiency of isobutyryl-CoA dehydrogenase. Also called: ACYL-CoA DEHYDROGENASE FAMILY, MEMBER 8, DEFICIENCY OF; ACAD8 DEFICIENCY; IBD DEFICIENCY. Identifiers: Orphanet 79159, MedGen C1969809, MONDO:0012648, OMIM 611283.

Allele frequency attached by ClinVar (database versions not stated): gnomAD 0.00001; gnomAD exomes 0.00001; ExAC 0.00002; 1000 Genomes Project 30x 0.00016; 1000 Genomes Project 0.00020.
gnomAD v4.1: 6 of 1,612,342 alleles (0.00037%); highest among the groups gnomAD compares: East Asian, 0.013%; no homozygotes.

Submissions (2):

Labcorp Genetics (formerly Invitae), Labcorp
Classification: Likely pathogenic for Deficiency of isobutyryl-CoA dehydrogenase. Last evaluated: 2026-01-13. Review status: criteria provided, single submitter. Criteria: Invitae Variant Classification Sherloc (09022015). Collection method: clinical testing. Allele origin: germline.
Comment: This sequence change replaces valine, which is neutral and non-polar, with glycine, which is neutral and non-polar, at codon 253 of the ACAD8 protein (p.Val253Gly). This variant is present in population databases (rs537831211, gnomAD 0.03%). This missense change has been observed in individual(s) with isobutyryl-CoA dehydrogenase deficiency (PMID: 34544473, 38784038; internal data). ClinVar contains an entry for this variant (Variation ID: 3061797). Invitae Evidence Modeling of protein sequence and biophysical properties (such as structural, functional, and spatial information, amino acid conservation, physicochemical variation, residue mobility, and thermodynamic stability) indicates that this missense variant is expected to disrupt ACAD8 protein function with a positive predictive value of 95%. In summary, the currently available evidence indicates that the variant is pathogenic, but additional data are needed to prove that conclusively. Therefore, this variant has been classified as Likely Pathogenic.

Neonatal Disease Screening Center, Medical Genetics Center, Huaihua City Maternal and Child Health Care Hospital
Classification: Likely pathogenic for Deficiency of isobutyryl-CoA dehydrogenase. Review status: no assertion criteria provided. Criteria: ACMG Guidelines, 2015. Collection method: clinical testing. Allele origin: germline. Affected: yes. Observed: 1 variant allele. Not counted in ClinVar's aggregate classification.
Comment: PM2_P+PM3_S+PP3+PP4

Literature cited by the submitters: PubMed 34544473 (cited by Labcorp Genetics (formerly Invitae), Labcorp); PubMed 38784038 (cited by Labcorp Genetics (formerly Invitae), Labcorp).